The following is an entry in ClinVar:

NM_006019.4(TCIRG1):c.1990C>T (p.Arg664Trp)

Gene: TCIRG1 (T cell immune regulator 1, ATPase H+ transporting V0 subunit a3; plus strand). Cytogenetic location: 11q13.2.
Variant type: single nucleotide variant.
Coding change: c.1990C>T on transcript NM_006019.4 (MANE Select); coding-DNA position 1990, C replaced by T.
Protein change: p.Arg664Trp; replaces arginine 664 with tryptophan.
Molecular consequence: missense variant.
Genome position (GRCh38, 1-based): chr11:68,049,765, C>T. VCF-style: chr11-68049765-C-T. GRCh37 (hg19) VCF-style: chr11-67817232-C-T.
Other names: c.1096C>T, p.Arg366Trp (NM_001351059.2); c.1342C>T, p.Arg448Trp (NM_006053.4); c.1990C>T (NM_006019.3); short protein forms R448W, R366W, R664W.
Identifiers: ClinVar variation 2145536 (VCV002145536.5), dbSNP rs774622771, ClinGen allele CA6147341.

ClinVar aggregate classification (germline): Uncertain significance. Review status: criteria provided, multiple submitters, no conflicts (2 of 4 stars). 3 submissions from 3 submitters: Uncertain significance (3). Last evaluated 2026-03-09.

Conditions:
Inborn genetic diseases. Identifiers: MedGen C0950123, MeSH D030342.

Allele frequency attached by ClinVar (database versions not stated): ExAC 0.00002; gnomAD exomes 0.00002; gnomAD 0.00010; TOPMed 0.00012.

Submissions (3):

Women's Health and Genetics/Laboratory Corporation of America, LabCorp
Classification: Uncertain significance. Last evaluated: 2026-03-09. Review status: criteria provided, single submitter. Criteria: LabCorp Variant Classification Summary - May 2015. Collection method: clinical testing. Allele origin: germline.
Comment: Variant summary: TCIRG1 c.1990C>T (p.Arg664Trp) results in a non-conservative amino acid change in the encoded protein sequence. Algorithms developed to predict the effect of missense changes on protein structure and function are either unavailable or do not agree on the potential impact of this missense change. The variant allele was found at a frequency of 5.8e-05 in 189178 control chromosomes. This frequency is not significantly higher than estimated for disease-causing variants in TCIRG1, allowing no conclusion about variant significance. To our knowledge, no occurrence of c.1990C>T in individuals affected with TCIRG1-related conditions and no experimental evidence demonstrating its impact on protein function have been reported. ClinVar contains an entry for this variant (Variation ID: 2145536). Based on the evidence outlined above, the variant was classified as uncertain significance.

Labcorp Genetics (formerly Invitae), Labcorp
Classification: Uncertain significance. Last evaluated: 2026-01-17. Review status: criteria provided, single submitter. Criteria: Invitae Variant Classification Sherloc (09022015). Collection method: clinical testing. Allele origin: germline.
Comment: This sequence change replaces arginine, which is basic and polar, with tryptophan, which is neutral and slightly polar, at codon 664 of the TCIRG1 protein (p.Arg664Trp). The frequency data for this variant in the population databases is considered unreliable, as metrics indicate poor data quality at this position in the gnomAD database. This variant has not been reported in the literature in individuals affected with TCIRG1-related conditions. ClinVar contains an entry for this variant (Variation ID: 2145536). Invitae Evidence Modeling of protein sequence and biophysical properties (such as structural, functional, and spatial information, amino acid conservation, physicochemical variation, residue mobility, and thermodynamic stability) indicates that this missense variant is not expected to disrupt TCIRG1 protein function with a negative predictive value of 80%. In summary, the available evidence is currently insufficient to determine the role of this variant in disease. Therefore, it has been classified as a Variant of Uncertain Significance.

Ambry Genetics
Classification: Uncertain significance for Inborn genetic diseases. Last evaluated: 2024-12-25. Review status: criteria provided, single submitter. Criteria: Ambry Variant Classification Scheme 2023. Collection method: clinical testing. Allele origin: germline.